The following is an entry in ClinVar:

NM_001042492.3(NF1):c.6658_6659del (p.Ile2220fs)

Gene: NF1 (neurofibromin 1; plus strand). Cytogenetic location: 17q11.2.
Variant type: Microsatellite.
Coding change: c.6658_6659del on transcript NM_001042492.3 (MANE Select); coding-DNA positions 6658 to 6659, 2 bases deleted (AT; older notation c.6658_6659delAT).
Protein change: p.Ile2220fs; shifts the reading frame from isoleucine 2220.
Molecular consequence: frameshift variant.
Genome position (GRCh38, 1-based): chr17:31,337,834-31,337,835, AT deleted; deleting any 2 consecutive bases within chr17:31,337,832-31,337,835 gives the same sequence; the c. name uses the placement nearest the transcript's 3' end. VCF-style (leftmost placement, unchanged base first): chr17-31337831-GAT-G. GRCh37 (hg19) VCF-style: chr17-29664849-GAT-G.
Other names: c.6593_6594AT[1], p.Ile2199Serfs (NM_000267.4); short protein forms I2199fs, I2220fs.
Identifiers: ClinVar variation 1070248 (VCV001070248.10), dbSNP rs2151557411, ClinGen allele CA2580614100.
Genomic context (GRCh38, chr17:31,337,831, plus strand): 5'-CTAAAAACATTTATGTACAATATGTATTCAGAGTATCCCCTTTTTTAGGCATGCATGAGA[GAT>G]ATTCCAACGTGCAAGTGGCTGGACCAGTGGACAGAACTAGCTCAAAGGTATGTCCTAAAT-3'

ClinVar aggregate classification (germline): Pathogenic/Likely pathogenic. Review status: criteria provided, multiple submitters, no conflicts (2 of 4 stars). 3 submissions from 3 submitters: Pathogenic (2); Likely pathogenic (1). Last evaluated 2020-06-24.

Conditions:
NF1-related disorder. Also called: NF1-related condition. Identifiers: MedGen CN379171.
Neurofibromatosis, type 1 (NF1). Also called: VON RECKLINGHAUSEN DISEASE; Peripheral type neurofibromatosis; Neurofibromatosis, type I; NEUROFIBROMATOSIS, TYPE I, SOMATIC. Identifiers: Orphanet 636, MedGen C0027831, MONDO:0018975, OMIM 162200. Disease mechanism: loss of function.

Submissions (3):

Labcorp Genetics (formerly Invitae), Labcorp
Classification: Pathogenic for Neurofibromatosis, type 1. Last evaluated: 2020-06-24. Review status: criteria provided, single submitter. Criteria: Invitae Variant Classification Sherloc (09022015). Collection method: clinical testing. Allele origin: germline.
Comment: For these reasons, this variant has been classified as Pathogenic. Loss-of-function variants in NF1 are known to be pathogenic (PMID: 10712197, 23913538). This variant has not been reported in the literature in individuals with NF1-related conditions. This variant is not present in population databases (ExAC no frequency). This sequence change creates a premature translational stop signal (p.Ile2199Serfs*21) in the NF1 gene. It is expected to result in an absent or disrupted protein product.

Revvity Omics, Revvity
Classification: Pathogenic. Last evaluated: 2020-06-21. Review status: criteria provided, single submitter. Criteria: ACMG Guidelines, 2015. Collection method: clinical testing. Allele origin: germline.

Blueprint Genetics
Classification: Likely pathogenic for NF1-related disorders. Last evaluated: 2018-06-01. Review status: criteria provided, single submitter. Criteria: ACMG Guidelines, 2015. Collection method: clinical testing. Allele origin: germline. Affected: yes. Observed: 1 variant allele.

Literature cited by the submitters: PubMed 10712197 (cited by Labcorp Genetics (formerly Invitae), Labcorp); PubMed 23913538 (cited by Labcorp Genetics (formerly Invitae), Labcorp).